The following is an entry in ClinVar:

ClinVar aggregate classification (germline): Uncertain significance. Review status: criteria provided, multiple submitters, no conflicts (2 of 4 stars). 2 submissions from 2 submitters: Uncertain significance (2). Last evaluated 2024-05-06.

Allele frequency attached by ClinVar (database versions not stated): TOPMed 0.00003; ExAC 0.00008.
gnomAD v4.1: 31 of 1,614,102 alleles (0.0019%); highest among the groups gnomAD compares: Admixed American, 0.052%; no homozygotes.

Submissions (2):

Labcorp Genetics (formerly Invitae), Labcorp
Classification: Uncertain significance. Last evaluated: 2024-05-06. Review status: criteria provided, single submitter. Criteria: Invitae Variant Classification Sherloc (09022015). Collection method: clinical testing. Allele origin: germline.
Comment: This sequence change replaces asparagine, which is neutral and polar, with serine, which is neutral and polar, at codon 437 of the APPL1 protein (p.Asn437Ser). This variant is present in population databases (rs750982071, gnomAD 0.08%), and has an allele count higher than expected for a pathogenic variant. This variant has not been reported in the literature in individuals affected with APPL1-related conditions. Advanced modeling of protein sequence and biophysical properties (such as structural, functional, and spatial information, amino acid conservation, physicochemical variation, residue mobility, and thermodynamic stability) performed at Invitae indicates that this missense variant is not expected to disrupt APPL1 protein function with a negative predictive value of 80%. In summary, the available evidence is currently insufficient to determine the role of this variant in disease. Therefore, it has been classified as a Variant of Uncertain Significance.

Ambry Genetics
Classification: Uncertain significance. Last evaluated: 2024-01-23. Review status: criteria provided, single submitter. Criteria: Ambry Variant Classification Scheme 2023. Collection method: clinical testing. Allele origin: germline.

NM_012096.3(APPL1):c.1310A>G (p.Asn437Ser)

Gene: APPL1 (adaptor protein, phosphotyrosine interacting with PH domain and leucine zipper 1; plus strand). Cytogenetic location: 3p14.3.
Variant type: single nucleotide variant.
Coding change: c.1310A>G on transcript NM_012096.3 (MANE Select); coding-DNA position 1310, A replaced by G.
Protein change: p.Asn437Ser; replaces asparagine 437 with serine.
Molecular consequence: missense variant.
Genome position (GRCh38, 1-based): chr3:57,257,308, A>G. VCF-style: chr3-57257308-A-G. GRCh37 (hg19) VCF-style: chr3-57291336-A-G.
Other names: short protein forms N437S.
Identifiers: ClinVar variation 3128076 (VCV003128076.3), dbSNP rs750982071, ClinGen allele CA2463785.
Genomic context (GRCh38, chr3:57,257,308, plus strand): 5'-AATCTCGGCCACCGACAGCTCGAACCAGCAGTTCAGGATCCTTAGGATCTGAGTCTACAA[A>G]TTTGGCTGCCCTCTCTCTAGATTCTCTTGTTGCCCCAGACACCCCAATACAGTTTGACAT-3'
Protein context (NP_036228.1, residues 427-447): SSGSLGSEST[Asn437Ser]LAALSLDSLV